The following is an entry in ClinVar:

ClinVar aggregate classification (germline): Uncertain significance (1 of 4 stars; one submission).

Submission:

Clinical Genomics Laboratory, Laboratory for Precision Diagnostics, University of Washington
Classification: Uncertain significance. Last evaluated: 2025-05-19. Review status: criteria provided, single submitter. Criteria: ACMG/ClinGen CNV Guidelines, 2019. Collection method: clinical testing. Allele origin: unknown. Affected: yes. Observed: 1 variant allele.
Comment: This interstitial duplication is approximately 676 kb in size and affects 3 protein-coding genes: GMDS, MYLK4, and WRNIP1. None of these genes are known to cause medical problems in humans when a copy is disrupted or an extra copy is present (triplosensitivity), and this is not a known triplosensitive genomic region. The distal breakpoint of the duplication lies within GMDS and the proximal breakpoint lies within WRNIP1. It is unknown whether this duplication would disrupt GMDS or WRNIP1, affect their expression, or form a fusion of these two genes. A review of public databases (ClinVar, DECIPHER) and the medical literature shows three similar duplications in ClinVar, all of which were classified as a variant of uncertain significance by the submitting lab. Similar duplications appear at very low frequency in both the Database of Genomic Variants (DGV) and gnomAD.

GRCh38/hg38 6p25.3-25.2(chr6:2097420-2773818)x3

Genes: GMDS (GDP-mannose 4,6-dehydratase; minus strand), GMDS-DT (GMDS divergent transcript; plus strand), LINC01600 (long independently transcribed non-coding RNA 1600; minus strand), LINC02521 (long independently transcribed non-coding RNA 2521; plus strand), MYLK4 (myosin light chain kinase family member 4; minus strand) and 13 more. Cytogenetic location: 6p25.3-25.2.
Variant type: copy number gain.
Change: copy number 3 (three copies instead of two) of chr6:2,097,420-2,773,818 (676.4 kb, GRCh38 coordinates, 1-based), cytogenetic band 6p25.3-25.2.
Identifiers: ClinVar variation 5038297 (VCV005038297.1).